The following is an entry in ClinVar:

NM_014159.7(SETD2):c.1438T>A (p.Tyr480Asn)

Gene: SETD2 (SET domain containing 2, histone lysine methyltransferase; minus strand). Cytogenetic location: 3p21.31.
Variant type: single nucleotide variant.
Coding change: c.1438T>A on transcript NM_014159.7 (MANE Select); coding-DNA position 1438, T replaced by A.
Protein change: p.Tyr480Asn; replaces tyrosine 480 with asparagine.
Molecular consequence: missense variant. On other transcripts: non-coding transcript variant (1).
Genome position (GRCh38, 1-based): chr3:47,123,198, A>T on the plus strand (T>A on the coding strand, the complement: SETD2 is on the minus strand). VCF-style: chr3-47123198-A-T. GRCh37 (hg19) VCF-style: chr3-47164688-A-T.
Other names: c.1306T>A, p.Tyr436Asn (NM_001349370.3); short protein forms Y436N, Y480N.
Identifiers: ClinVar variation 2663412 (VCV002663412.2), dbSNP rs2106697740, ClinGen allele CA352530649.

ClinVar aggregate classification (germline): Uncertain significance (1 of 4 stars; one submission).

Allele frequency attached by ClinVar (database versions not stated): gnomAD exomes below 0.00001.
gnomAD v4.1: 1 of 1,588,154 alleles (0.000063%); highest among the groups gnomAD compares: Non-Finnish European, 0.000086%; no homozygotes.

Submission:

GeneDx
Classification: Uncertain significance. Last evaluated: 2024-10-21. Review status: criteria provided, single submitter. Criteria: GeneDx Variant Classification Process June 2021. Collection method: clinical testing. Allele origin: germline.
Comment: Not observed at significant frequency in large population cohorts (gnomAD); In silico analysis supports that this missense variant has a deleterious effect on protein structure/function; Has not been previously published as pathogenic or benign to our knowledge